The following is an entry in ClinVar:

NM_000719.7(CACNA1C):c.6119T>G (p.Val2040Gly)

Genes: CACNA1C (calcium voltage-gated channel subunit alpha1 C; plus strand), CACNA1C-AS1 (CACNA1C antisense RNA 1; minus strand). Cytogenetic location: 12p13.33.
Variant type: single nucleotide variant.
Coding change: c.6119T>G on transcript NM_000719.7 (MANE Select); coding-DNA position 6119, T replaced by G.
Protein change: p.Val2040Gly; replaces valine 2040 with glycine.
Molecular consequence: missense variant. On other transcripts: non-coding transcript variant (1).
Genome position (GRCh38, 1-based): chr12:2,690,901, T>G. VCF-style: chr12-2690901-T-G. GRCh37 (hg19) VCF-style: chr12-2800067-T-G.
Other names: c.6263T>G, p.Val2088Gly (NM_001129827.2); c.6242T>G, p.Val2081Gly (NM_001129829.2); c.6224T>G, p.Val2075Gly (NM_001129830.3, NM_001167624.3); c.6203T>G, p.Val2068Gly (NM_001129831.2); c.6179T>G, p.Val2060Gly (NM_001129832.2); c.6176T>G, p.Val2059Gly (NM_001129833.2, NM_001129834.2, NM_001129835.2); c.6170T>G, p.Val2057Gly (NM_001129836.2); c.6143T>G, p.Val2048Gly (NM_001129837.2, NM_001129838.2); and 6 more; short protein forms V2040G, V2057G, V2059G, V2088G, V2123G, V2037G, V2068G, V2029G.
Identifiers: ClinVar variation 645176 (VCV000645176.10), dbSNP rs1288222488, ClinGen allele CA383386068.
Genomic context (GRCh38, chr12:2,690,901, plus strand): 5'-GCTGGGCTCCAGGAGTAATGTTCCTTTGGTTCTTCATGGCTCCCACCCCGCTCCTTCAGG[T>G]CTTGATTTCAGAAGGACTGGGGCAGTTTGCTCAAGATCCCAAGTTCATCGAGGTCACCAC-3'
Protein context (NP_000710.5, residues 2030-2050): HGSASSLVEA[Val2040Gly]LISEGLGQFA

ClinVar aggregate classification (germline): Uncertain significance (1 of 4 stars; one submission).

Conditions:
Long QT syndrome (LQTS). Identifiers: MedGen C0023976, MeSH D008133, MONDO:0002442. Disease mechanism: loss of function. Inheritance: Various modes of inheritance.

Allele frequency attached by ClinVar (database versions not stated): TOPMed below 0.00001; gnomAD 0.00001.
gnomAD v4.1: 2 of 1,565,782 alleles (0.00013%); highest among the groups gnomAD compares: Non-Finnish European, 0.00017%; no homozygotes.

Submission:

Labcorp Genetics (formerly Invitae), Labcorp
Classification: Uncertain significance for Long QT syndrome. Last evaluated: 2022-08-23. Review status: criteria provided, single submitter. Criteria: Invitae Variant Classification Sherloc (09022015). Collection method: clinical testing. Allele origin: germline.
Comment: ClinVar contains an entry for this variant (Variation ID: 645176). In summary, the available evidence is currently insufficient to determine the role of this variant in disease. Therefore, it has been classified as a Variant of Uncertain Significance. Algorithms developed to predict the effect of missense changes on protein structure and function are either unavailable or do not agree on the potential impact of this missense change (SIFT: "Tolerated"; PolyPhen-2: "Probably Damaging"; Align-GVGD: "Class C0"). This variant has not been reported in the literature in individuals affected with CACNA1C-related conditions. This variant is not present in population databases (gnomAD no frequency). This sequence change replaces valine, which is neutral and non-polar, with glycine, which is neutral and non-polar, at codon 2040 of the CACNA1C protein (p.Val2040Gly).